The following is an entry in ClinVar:

NM_001382430.1(AKT1):c.1118G>A (p.Gly373Asp)

Gene: AKT1 (AKT serine/threonine kinase 1; minus strand). Cytogenetic location: 14q32.33.
Variant type: single nucleotide variant.
Coding change: c.1118G>A on transcript NM_001382430.1 (MANE Select); coding-DNA position 1118, G replaced by A.
Protein change: p.Gly373Asp; replaces glycine 373 with aspartic acid.
Molecular consequence: missense variant.
Genome position (GRCh38, 1-based): chr14:104,772,932, C>T on the plus strand (G>A on the coding strand, the complement: AKT1 is on the minus strand). VCF-style: chr14-104772932-C-T. GRCh37 (hg19) VCF-style: chr14-105239269-C-T.
Other names: c.1118G>A, p.Gly373Asp (NM_001014431.2, NM_001014432.2, NM_001382431.1 and 3 more transcripts); short protein forms G373D.
Identifiers: ClinVar variation 4267681 (VCV004267681.2).
Genomic context (GRCh38, chr14:104,772,932, plus strand): 5'-CCTCACCTCTGCTTGGGGTCCTTCTTGAGCAGCCCTGAAAGCAAGGACTTGGCCTCGGGA[C>T]CAAGCGTGCGCGGGAAGCGGATCTCCTCCATGAGGATGAGCTCAAAAAGCTTCTCATGGT-3'
Protein context (NP_001369359.1, residues 363-383): MEEIRFPRTL[Gly373Asp]PEAKSLLSGL

ClinVar aggregate classification (germline): Uncertain significance (1 of 4 stars; one submission).

Conditions:
Inborn genetic diseases. Identifiers: MedGen C0950123, MeSH D030342.

gnomAD v4.1: 1 of 1,613,542 alleles (0.000062%); highest among the groups gnomAD compares: Non-Finnish European, 0.000085%; no homozygotes.

Submission:

Ambry Genetics
Classification: Uncertain significance for Inborn genetic diseases. Last evaluated: 2026-05-18. Review status: criteria provided, single submitter. Criteria: Ambry Variant Classification Scheme 2023. Collection method: clinical testing. Allele origin: germline.
Comment: The p.G373D variant (also known as c.1118G>A), located in coding exon 10 of the AKT1 gene, results from a G to A substitution at nucleotide position 1118. The glycine at codon 373 is replaced by aspartic acid, an amino acid with similar properties. This amino acid position is conserved. In addition, this alteration is predicted to be tolerated by in silico analysis. Based on the available evidence, the clinical significance of this variant remains unclear.